The following is an entry in ClinVar:

NM_006767.4(LZTR1):c.1891C>T (p.Arg631Trp)

Gene: LZTR1 (leucine zipper like post translational regulator 1; plus strand). Cytogenetic location: 22q11.21.
Variant type: single nucleotide variant.
Coding change: c.1891C>T on transcript NM_006767.4 (MANE Select); coding-DNA position 1891, C replaced by T.
Protein change: p.Arg631Trp; replaces arginine 631 with tryptophan.
Molecular consequence: missense variant.
Genome position (GRCh38, 1-based): chr22:20,994,975, C>T. VCF-style: chr22-20994975-C-T. GRCh37 (hg19) VCF-style: chr22-21349264-C-T.
Other names: short protein forms R631W.
Identifiers: ClinVar variation 1315397 (VCV001315397.9), dbSNP rs2147968444, ClinGen allele CA410778672.

ClinVar aggregate classification (germline): Uncertain significance. Review status: criteria provided, multiple submitters, no conflicts (2 of 4 stars). 4 submissions from 4 submitters: Uncertain significance (4). Last evaluated 2025-08-25.

Conditions:
LZTR1-related schwannomatosis. Also called: Schwannomatosis-2, susceptibility to; Schwannomatosis 2. Identifiers: Orphanet 93921, MedGen C3810283, MONDO:0014299, OMIM 615670.
Noonan syndrome 2 (NS2). Identifiers: Orphanet 648, MedGen C1854469, MONDO:0011531, OMIM 605275.
Noonan syndrome 10 (NS10). Identifiers: Orphanet 648, MedGen C4225280, MONDO:0014693, OMIM 616564.
Hereditary cancer-predisposing syndrome. Also called: Hereditary neoplastic syndrome; Neoplastic Syndromes, Hereditary; Tumor predisposition; Hereditary Cancer Syndrome. Identifiers: Orphanet 140162, MedGen C0027672, MeSH D009386, MONDO:0015356.
Cardiovascular phenotype. Identifiers: MedGen CN230736.

gnomAD v4.1: 4 of 1,613,132 alleles (0.00025%); highest among the groups gnomAD compares: Non-Finnish European, 0.00034%; no homozygotes.

Submissions (4):

Clinical Genomics Laboratory, Washington University in St. Louis
Classification: Uncertain significance for LZTR1-related schwannomatosis; Noonan syndrome 10; Noonan syndrome 2. Last evaluated: 2025-08-25. Review status: criteria provided, single submitter. Criteria: ACMG Guidelines, 2015. Collection method: clinical testing. Allele origin: germline.
Comment: An LZTR1 c.1891C>T (p.Arg631Trp) variant was identified at a near heterozygous allelic fraction of 43.8%, a frequency which may be consistent with it being of germline origin. This variant, to our knowledge, has not been reported in the medical literature but has been reported in the ClinVar database as a germline variant of uncertain significance by three submitters (ClinVar Variation ID: 1315397). This variant is only observed on 4/1,613,132 alleles in the general population (gnomAD v4.1.0), indicating it is not a common variant. Computational predictors are uncertain as to the impact of this variant on LZTR1 function. Due to limited information, and based on ACMG/AMP guidelines for variant interpretation (Richards S et al., PMID: 25741868), the clinical significance of this variant is uncertain at this time.

Labcorp Genetics (formerly Invitae), Labcorp
Classification: Uncertain significance. Last evaluated: 2025-07-02. Review status: criteria provided, single submitter. Criteria: Invitae Variant Classification Sherloc (09022015). Collection method: clinical testing. Allele origin: germline.
Comment: This sequence change replaces arginine, which is basic and polar, with tryptophan, which is neutral and slightly polar, at codon 631 of the LZTR1 protein (p.Arg631Trp). This variant is not present in population databases (gnomAD no frequency). This variant has not been reported in the literature in individuals affected with LZTR1-related conditions. ClinVar contains an entry for this variant (Variation ID: 1315397). Invitae Evidence Modeling of protein sequence and biophysical properties (such as structural, functional, and spatial information, amino acid conservation, physicochemical variation, residue mobility, and thermodynamic stability) indicates that this missense variant is not expected to disrupt LZTR1 protein function with a negative predictive value of 80%. In summary, the available evidence is currently insufficient to determine the role of this variant in disease. Therefore, it has been classified as a Variant of Uncertain Significance.

GeneDx
Classification: Uncertain significance. Last evaluated: 2025-02-13. Review status: criteria provided, single submitter. Criteria: GeneDx Variant Classification Process June 2021. Collection method: clinical testing. Allele origin: germline. Affected: yes.
Comment: Not observed at significant frequency in large population cohorts (gnomAD); In silico analysis supports that this missense variant has a deleterious effect on protein structure/function; Has not been previously published as pathogenic or benign to our knowledge

Ambry Genetics
Classification: Uncertain significance for Cardiovascular phenotype; Hereditary cancer-predisposing syndrome. Last evaluated: 2024-08-30. Review status: criteria provided, single submitter. Criteria: Ambry Variant Classification Scheme 2023. Collection method: clinical testing. Allele origin: germline.
Comment: The p.R631W variant (also known as c.1891C>T), located in coding exon 16 of the LZTR1 gene, results from a C to T substitution at nucleotide position 1891. The arginine at codon 631 is replaced by tryptophan, an amino acid with dissimilar properties. This amino acid position is conserved. In addition, the in silico prediction for this alteration is inconclusive. Based on the available evidence, the clinical significance of this variant remains unclear.